The following is an entry in ClinVar:

ClinVar aggregate classification (germline): Uncertain significance. Review status: criteria provided, multiple submitters, no conflicts (2 of 4 stars). 5 submissions from 5 submitters: Uncertain significance (5). Last evaluated 2025-11-25.

Conditions:
Catecholaminergic polymorphic ventricular tachycardia (CVPT). Also called: Catecholamine-induced polymorphic ventricular tachycardia. Identifiers: Orphanet 3286, MedGen C5574922, MONDO:0017990.
Cardiomyopathy (CMYO). Also called: Cardiomyopathies. Identifiers: Orphanet 167848, MedGen C0878544, MONDO:0004994, HP:0001638. Inheritance: Various modes of inheritance.
Arrhythmogenic right ventricular dysplasia 2. Identifiers: MedGen C1832931.
Catecholaminergic polymorphic ventricular tachycardia 1. Also called: VENTRICULAR TACHYCARDIA, CATECHOLAMINERGIC POLYMORPHIC, 1, WITH OR WITHOUT ATRIAL DYSFUNCTION AND/OR DILATED CARDIOMYOPATHY; VENTRICULAR TACHYCARDIA, STRESS-INDUCED POLYMORPHIC 1; RYR2-Related Catecholaminergic Polymorphic Ventricular Tachycardia. Identifiers: Orphanet 3286, MedGen C1631597, MONDO:0011484, OMIM 604772.
Ventricular arrhythmias due to cardiac ryanodine receptor calcium release deficiency syndrome. Also called: Autosomal dominant cardiac arrhythmia (Kuhn). Identifiers: MedGen C5542154, MONDO:0020745, OMIM 115000.

gnomAD v4.1: 2 of 1,613,540 alleles (0.00012%); highest among the groups gnomAD compares: South Asian, 0.0011%; no homozygotes.

Submissions (5):

Women's Health and Genetics/Laboratory Corporation of America, LabCorp
Classification: Uncertain significance. Last evaluated: 2025-11-25. Review status: criteria provided, single submitter. Criteria: LabCorp Variant Classification Summary - May 2015. Collection method: clinical testing. Allele origin: germline.
Comment: Variant summary: RYR2 c.4531G>T (p.Val1511Leu) results in a conservative amino acid change in the encoded protein sequence. Algorithms developed to predict the effect of missense changes on protein structure and function are either unavailable or do not agree on the potential impact of this missense change. The variant was absent in 248374 control chromosomes. The available data on variant occurrences in the general population are insufficient to allow any conclusion about variant significance. To our knowledge, no occurrence of c.4531G>T in individuals affected with RYR2-related conditions and no experimental evidence demonstrating its impact on protein function have been reported. The following publication has been ascertained in the context of this evaluation (PMID: 35932045). ClinVar contains an entry for this variant (Variation ID: 926131). Based on the evidence outlined above, the variant was classified as uncertain significance.

All of Us Research Program, National Institutes of Health
Classification: Uncertain significance for Catecholaminergic polymorphic ventricular tachycardia. Last evaluated: 2024-01-09. Review status: criteria provided, single submitter. Criteria: ACMG Guidelines, 2015. Collection method: clinical testing. Allele origin: germline. Inheritance: Autosomal dominant inheritance. Observed: 1 variant allele, 1 heterozygote.
Comment: This missense variant replaces valine with leucine at codon 1511 of the RYR2 protein. Computational prediction tools and conservation analyses are inconclusive regarding the impact of this variant on the protein function. Computational splicing tools suggest that this variant may not impact RNA splicing. To our knowledge, functional assays have not been performed for this variant nor has this variant been reported in individuals affected with cardiovascular disorders in the literature. This variant has not been identified in the general population by the Genome Aggregation Database (gnomAD). Available evidence is insufficient to determine the role of this variant in disease conclusively. Therefore, this variant is classified as a Variant of Uncertain Significance.

This study involves interpretation of variants in research participants for the purpose of population health screening. Participant phenotype was not available at the time of variant classification. Additional details can be found in publication PMID: 35346344, PMCID: PMC8962531

Labcorp Genetics (formerly Invitae), Labcorp
Classification: Uncertain significance for Catecholaminergic polymorphic ventricular tachycardia 1. Last evaluated: 2023-11-14. Review status: criteria provided, single submitter. Criteria: Invitae Variant Classification Sherloc (09022015). Collection method: clinical testing. Allele origin: germline.
Comment: This sequence change replaces valine, which is neutral and non-polar, with leucine, which is neutral and non-polar, at codon 1511 of the RYR2 protein (p.Val1511Leu). This variant is not present in population databases (gnomAD no frequency). This variant has not been reported in the literature in individuals affected with RYR2-related conditions. ClinVar contains an entry for this variant (Variation ID: 926131). Advanced modeling of protein sequence and biophysical properties (such as structural, functional, and spatial information, amino acid conservation, physicochemical variation, residue mobility, and thermodynamic stability) performed at Invitae indicates that this missense variant is not expected to disrupt RYR2 protein function with a negative predictive value of 95%. In summary, the available evidence is currently insufficient to determine the role of this variant in disease. Therefore, it has been classified as a Variant of Uncertain Significance.

Fulgent Genetics
Classification: Uncertain significance for Ventricular arrhythmias due to cardiac ryanodine receptor calcium release deficiency syndrome; Catecholaminergic polymorphic ventricular tachycardia 1. Last evaluated: 2021-09-27. Review status: criteria provided, single submitter. Criteria: ACMG Guidelines, 2015. Collection method: clinical testing. Allele origin: unknown.

Color Diagnostics, LLC DBA Color Health
Classification: Uncertain significance for Cardiomyopathy. Last evaluated: 2019-06-12. Review status: criteria provided, single submitter. Criteria: ACMG Guidelines, 2015. Collection method: clinical testing. Allele origin: germline.
Comment: This missense variant replaces valine with leucine at codon 1511 of the RYR2 protein. Computational prediction tools and conservation analyses are inconclusive regarding the impact of this variant on the protein function. Computational splicing tools suggest that this variant may not impact RNA splicing. To our knowledge, functional assays have not been performed for this variant nor has this variant been reported in individuals affected with cardiovascular disorders in the literature. This variant has not been identified in the general population by the Genome Aggregation Database (gnomAD). Available evidence is insufficient to determine the role of this variant in disease conclusively. Therefore, this variant is classified as a Variant of Uncertain Significance.

Literature cited by the submitters: PubMed 35932045 (cited by Women's Health and Genetics/Laboratory Corporation of America, LabCorp).

NM_001035.3(RYR2):c.4531G>T (p.Val1511Leu)

Gene: RYR2 (ryanodine receptor 2; plus strand). Cytogenetic location: 1q43.
Variant type: single nucleotide variant.
Coding change: c.4531G>T on transcript NM_001035.3 (MANE Select); coding-DNA position 4531, G replaced by T.
Protein change: p.Val1511Leu; replaces valine 1511 with leucine.
Molecular consequence: missense variant.
Genome position (GRCh38, 1-based): chr1:237,595,592, G>T. VCF-style: chr1-237595592-G-T. GRCh37 (hg19) VCF-style: chr1-237758892-G-T.
Other names: short protein forms V1511L.
Identifiers: ClinVar variation 926131 (VCV000926131.9), dbSNP rs1298609322, ClinGen allele CA345400538.